The following is an entry in ClinVar:

ClinVar aggregate classification (germline): Conflicting classifications of pathogenicity. Review status: criteria provided, conflicting classifications (1 of 4 stars). 6 submissions from 6 submitters: Likely pathogenic (1); Uncertain significance (4). 1 of the submissions does not count toward it. Last evaluated 2026-04-14.

Conditions:
Familial intrahepatic cholestasis. Identifiers: Orphanet 284385, MedGen CN296401, MONDO:0017290.
ABCB4-related disorder. Also called: ABCB4-related disorders; ABCB4-related condition.
Cholestasis, intrahepatic, of pregnancy, 3. Identifiers: Orphanet 69665, MedGen C3554241, MONDO:0013995, OMIM 614972.

Allele frequency attached by ClinVar (database versions not stated): gnomAD exomes below 0.00001 and 0.00001; TOPMed below 0.00001.
gnomAD v4.1: 11 of 1,614,116 alleles (0.00068%); highest among the groups gnomAD compares: Non-Finnish European, 0.00093%; no homozygotes.

Submissions (6):

Genomenon, Inc
Classification: Likely pathogenic for Familial intrahepatic cholestasis. Last evaluated: 2026-04-14. Review status: criteria provided, single submitter. Criteria: Genomenon Sequence Variant Interpretation Standards - Updated. Collection method: curation. Allele origin: germline. Affected: yes.
Comment: ABCB4 p.Ala546Asp (c.1637C>A) is a missense variant that changes the amino acid at residue 546 from Alanine to Aspartic acid. This variant has been observed in at least one proband with an ABCB4-related disorder (PMID:10767346;25755323). It has been observed in trans with a pathogenic or likely pathogenic variant (PMID:25755323). Functional studies have been reported (PMID:10767346). It is absent or not present at a significant frequency in gnomAD. In silico models predict that this variant is possibly or probably damaging. In conclusion, we classify ABCB4 p.Ala546Asp (c.1637C>A) as a likely pathogenic variant.

PreventionGenetics, part of Exact Sciences
Classification: Uncertain significance for ABCB4-related condition. Last evaluated: 2026-02-28. Review status: criteria provided, single submitter. Criteria: ACMG Guidelines, 2015. Collection method: clinical testing. Allele origin: germline.
Comment: The ABCB4 c.1637C>A variant is predicted to result in the amino acid substitution p.Ala546Asp. This variant has been reported in the heterozygous state in a patient with intrahepatic cholestasis of pregnancy (Dixon et al. 2000. PubMed ID: 10767346). Functional studies indicate the p.Ala546Asp variant disrupts protein trafficking, resulting in a lack of functional protein at the cell surface (Dixon et al. 2000. PubMed ID: 10767346). This variant was also been reported in the compound heterozygous state in one individual from a study of children with monogenic cholestasis (Hertel et al. 2021. PubMed ID: 34016879). This variant is reported in 0.00088% of alleles in individuals of European (Non-Finnish) descent in gnomAD. At this time, the clinical significance of this variant is uncertain due to the absence of conclusive functional and genetic evidence.

Mayo Clinic Laboratories, Mayo Clinic
Classification: Uncertain significance. Last evaluated: 2025-07-09. Review status: criteria provided, single submitter. Criteria: ACMG Guidelines, 2015. Collection method: clinical testing. Allele origin: germline. Observed: 1 variant allele.
Comment: PP3_strong, PM2_supporting

Women's Health and Genetics/Laboratory Corporation of America, LabCorp
Classification: Uncertain significance. Last evaluated: 2022-12-20. Review status: criteria provided, single submitter. Criteria: LabCorp Variant Classification Summary - May 2015. Collection method: clinical testing. Allele origin: germline.
Comment: Variant summary: ABCB4 c.1637C>A (p.Ala546Asp) results in a non-conservative amino acid change located in the ABC transporter-like, ATP-binding domain (IPR003439) of the encoded protein sequence. Five of five in-silico tools predict a damaging effect of the variant on protein function. The variant allele was found at a frequency of 4e-06 in 251282 control chromosomes. c.1637C>A has been reported in the literature as a heterozygous genotype (second allele not specified) in one individual with Intrahepatic Cholestasis of Pregnancy (example Dixon_2000) who has been cited by others and as a presumed compound heterozygous genotype (phase not specified) in at-least one individual with Progressive familial intrahepatic cholestasis type 3 (PFIC3) (example, Sticova_2020 cited in Hertel_2021). These data do not allow any conclusion about variant significance. At least one publication reports experimental evidence evaluating an impact on protein function (example Dixon_2000). The most pronounced variant effect results in reduced cell surface expression, abnormal protein glycosylation and abnormal trafficking of the mutant to plasma membrane, but not its activity. One clinical diagnostic laboratory has submitted clinical-significance assessments for this variant to ClinVar after 2014 without evidence for independent evaluation and classified the variant as uncertain significance. Based on the evidence outlined above, the variant was classified as VUS-possibly pathogenic.

Eurofins Ntd Llc (ga)
Classification: Uncertain significance. Last evaluated: 2018-07-30. Review status: criteria provided, single submitter. Criteria: EGL ClinVar v180209 classification definitions. Collection method: clinical testing. Allele origin: germline. Observed: 2 variant alleles, 2 heterozygotes.

OMIM
Classification: Pathogenic for CHOLESTASIS, INTRAHEPATIC, OF PREGNANCY, 3. Last evaluated: 2000-05-01. Review status: no assertion criteria provided. Collection method: literature only. Allele origin: germline. Not counted in ClinVar's aggregate classification.

Literature cited by the submitters: PubMed 10767346 (cited by 5 submitters); PubMed 25755323 (cited by Genomenon, Inc and Mayo Clinic Laboratories, Mayo Clinic); PubMed 31728073 (cited by Mayo Clinic Laboratories, Mayo Clinic and Women's Health and Genetics/Laboratory Corporation of America, LabCorp); PubMed 34016879 (cited by Mayo Clinic Laboratories, Mayo Clinic and Women's Health and Genetics/Laboratory Corporation of America, LabCorp); PubMed 33390354 (cited by Women's Health and Genetics/Laboratory Corporation of America, LabCorp); PubMed 28587926 (cited by Women's Health and Genetics/Laboratory Corporation of America, LabCorp); PubMed 19185004 (cited by Women's Health and Genetics/Laboratory Corporation of America, LabCorp).

NM_000443.4(ABCB4):c.1637C>A (p.Ala546Asp)

Gene: ABCB4 (ATP binding cassette subfamily B member 4; minus strand). Cytogenetic location: 7q21.12.
Variant type: single nucleotide variant.
Coding change: c.1637C>A on transcript NM_000443.4 (MANE Select); coding-DNA position 1637, C replaced by A.
Protein change: p.Ala546Asp; replaces alanine 546 with aspartic acid.
Molecular consequence: missense variant.
Genome position (GRCh38, 1-based): chr7:87,439,761, G>T on the plus strand (C>A on the coding strand, the complement: ABCB4 is on the minus strand). VCF-style: chr7-87439761-G-T. GRCh37 (hg19) VCF-style: chr7-87069077-G-T.
Other names: c.1637C>A, p.Ala546Asp (NM_018849.3, NM_018850.3); short protein forms A546D.
Identifiers: ClinVar variation 13689 (VCV000013689.11), dbSNP rs121918441, ClinGen allele CA123358.